The following is an entry in ClinVar:

ClinVar aggregate classification (germline): Uncertain significance (1 of 4 stars; one submission).

Allele frequency attached by ClinVar (database versions not stated): gnomAD exomes below 0.00001; gnomAD 0.00001.
gnomAD v4.1: 7 of 1,600,318 alleles (0.00044%); highest among the groups gnomAD compares: African/African-American, 0.0027%; no homozygotes.

Submission:

Labcorp Genetics (formerly Invitae), Labcorp
Classification: Uncertain significance. Last evaluated: 2023-02-08. Review status: criteria provided, single submitter. Criteria: Invitae Variant Classification Sherloc (09022015). Collection method: clinical testing. Allele origin: germline.
Comment: This sequence change replaces glutamic acid, which is acidic and polar, with lysine, which is basic and polar, at codon 74 of the ITGAM protein (p.Glu74Lys). The frequency data for this variant in the population databases is considered unreliable, as metrics indicate poor data quality at this position in the gnomAD database. This variant has not been reported in the literature in individuals affected with ITGAM-related conditions. Algorithms developed to predict the effect of missense changes on protein structure and function (SIFT, PolyPhen-2, Align-GVGD) all suggest that this variant is likely to be tolerated. In summary, the available evidence is currently insufficient to determine the role of this variant in disease. Therefore, it has been classified as a Variant of Uncertain Significance.

NM_000632.4(ITGAM):c.220G>A (p.Glu74Lys)

Genes: ITGAM (integrin subunit alpha M; plus strand), LOC126862331 (P300/CBP strongly-dependent group 1 enhancer GRCh37_chr16:31276375-31277574; plus strand). Cytogenetic location: 16p11.2.
Variant type: single nucleotide variant.
Coding change: c.220G>A on transcript NM_000632.4 (MANE Select); coding-DNA position 220, G replaced by A.
Protein change: p.Glu74Lys; replaces glutamic acid 74 with lysine.
Molecular consequence: missense variant.
Genome position (GRCh38, 1-based): chr16:31,265,480, G>A. VCF-style: chr16-31265480-G-A. GRCh37 (hg19) VCF-style: chr16-31276801-G-A.
Other names: c.220G>A, p.Glu74Lys (NM_001145808.2); short protein forms E74K.
Identifiers: ClinVar variation 2868687 (VCV002868687.3), dbSNP rs1178750357, ClinGen allele CA395683232.